The following is an entry in ClinVar:

NM_016239.4(MYO15A):c.9115C>T (p.Arg3039Trp)

Gene: MYO15A (myosin XVA; plus strand). Cytogenetic location: 17p11.2.
Variant type: single nucleotide variant.
Coding change: c.9115C>T on transcript NM_016239.4 (MANE Select); coding-DNA position 9115, C replaced by T.
Protein change: p.Arg3039Trp; replaces arginine 3039 with tryptophan.
Molecular consequence: missense variant.
Genome position (GRCh38, 1-based): chr17:18,158,956, C>T. VCF-style: chr17-18158956-C-T. GRCh37 (hg19) VCF-style: chr17-18062270-C-T.
Other names: c.9115C>T (NM_016239.3); short protein forms R3039W.
Identifiers: ClinVar variation 1496438 (VCV001496438.11), dbSNP rs770756964, ClinGen allele CA8425382.

ClinVar aggregate classification (germline): Conflicting classifications of pathogenicity. Review status: criteria provided, conflicting classifications (1 of 4 stars). 3 submissions from 3 submitters: Uncertain significance (2); Likely benign (1). Last evaluated 2026-08-11.

Conditions:
Inborn genetic diseases. Identifiers: MedGen C0950123, MeSH D030342.

Allele frequency attached by ClinVar (database versions not stated): TOPMed 0.00002; ExAC 0.00006; gnomAD exomes 0.00008.
gnomAD v4.1: 43 of 1,614,110 alleles (0.0027%); highest among the groups gnomAD compares: Admixed American, 0.03%; no homozygotes.

Submissions (3):

GeneDx
Classification: Uncertain significance. Last evaluated: 2026-08-11. Review status: criteria provided, single submitter. Criteria: GeneDx Variant Classification Process June 2021. Collection method: clinical testing. Allele origin: germline.
Comment: In silico analysis supports that this missense variant does not alter protein structure/function; Has not been previously published as pathogenic or benign to our knowledge

Labcorp Genetics (formerly Invitae), Labcorp
Classification: Likely benign. Last evaluated: 2026-01-17. Review status: criteria provided, single submitter. Criteria: Invitae Variant Classification Sherloc (09022015). Collection method: clinical testing. Allele origin: germline.

Ambry Genetics
Classification: Uncertain significance for Inborn genetic diseases. Last evaluated: 2021-08-09. Review status: criteria provided, single submitter. Criteria: Ambry Variant Classification Scheme 2023. Collection method: clinical testing. Allele origin: germline.